The following is an entry in ClinVar:

NM_000203.5(IDUA):c.607_614dup (p.Cys205fs)

Gene: IDUA (alpha-L-iduronidase; plus strand). Cytogenetic location: 4p16.3.
Variant type: Duplication.
Coding change: c.607_614dup on transcript NM_000203.5 (MANE Select); coding-DNA positions 607 to 614, 8 bases duplicated (GATGCCTG; older notation c.607_614dupGATGCCTG).
Protein change: p.Cys205fs; shifts the reading frame from cysteine 205.
Molecular consequence: frameshift variant. On other transcripts: non-coding transcript variant (1).
Genome position (GRCh38, 1-based): chr4:1,001,696-1,001,703, GATGCCTG duplicated. VCF-style (leftmost placement, unchanged base first): chr4-1001695-C-CGATGCCTG. GRCh37 (hg19) VCF-style: chr4-995483-C-CGATGCCTG.
Other names: c.211_218dup, p.Cys73fs (NM_001363576.1); short protein forms C73fs, C205fs.
Identifiers: ClinVar variation 2806037 (VCV002806037.3), dbSNP rs2534084353, ClinGen allele CA2739269992.

ClinVar aggregate classification (germline): Pathogenic (1 of 4 stars; one submission).

Conditions:
Mucopolysaccharidosis type 1. Also called: Mucopolysaccharidosis Type I; IDUA deficiency; MPS I. Identifiers: Orphanet 579, MedGen C0023786, MONDO:0001586.

Submission:

Labcorp Genetics (formerly Invitae), Labcorp
Classification: Pathogenic for Mucopolysaccharidosis type 1. Last evaluated: 2022-09-27. Review status: criteria provided, single submitter. Criteria: Invitae Variant Classification Sherloc (09022015). Collection method: clinical testing. Allele origin: germline.
Comment: This sequence change creates a premature translational stop signal (p.Cys205Trpfs*32) in the IDUA gene. It is expected to result in an absent or disrupted protein product. Loss-of-function variants in IDUA are known to be pathogenic (PMID: 11735025, 21480867). For these reasons, this variant has been classified as Pathogenic. This variant has not been reported in the literature in individuals affected with IDUA-related conditions. This variant is not present in population databases (gnomAD no frequency).

Literature cited by the submitters: PubMed 11735025; PubMed 21480867.